The following is an entry in ClinVar:

NM_001379286.1(ZNF423):c.2238C>G (p.His746Gln)

Gene: ZNF423 (zinc finger protein 423; minus strand). Cytogenetic location: 16q12.1.
Variant type: single nucleotide variant.
Coding change: c.2238C>G on transcript NM_001379286.1 (MANE Select); coding-DNA position 2238, C replaced by G.
Protein change: p.His746Gln; replaces histidine 746 with glutamine.
Molecular consequence: missense variant.
Genome position (GRCh38, 1-based): chr16:49,636,938, G>C on the plus strand (C>G on the coding strand, the complement: ZNF423 is on the minus strand). VCF-style: chr16-49636938-G-C. GRCh37 (hg19) VCF-style: chr16-49670849-G-C.
Other names: c.2034C>G, p.His678Gln (NM_001271620.2); c.1863C>G, p.His621Gln (NM_001330533.2); c.2214C>G, p.His738Gln (NM_015069.5); short protein forms H621Q, H738Q, H678Q, H746Q.
Identifiers: ClinVar variation 5003012 (VCV005003012.1).

ClinVar aggregate classification (germline): Uncertain significance (1 of 4 stars; one submission).

Conditions:
Nephronophthisis 14 (NPHP14). Identifiers: Orphanet 2318, MedGen C3539071, MONDO:0013916, OMIM 614844.

Submission:

OLLIN Analises Genomicas, OLLIN
Classification: Uncertain significance for Nephronophthisis 14. Last evaluated: 2026-08-06. Review status: criteria provided, single submitter. Criteria: ACMG Guidelines 2015 PMID 25741868. Collection method: clinical testing. Allele origin: germline.
Comment: This missense variant, located in exon 4 (of 8), is absent from gnomAD and ClinVar and has not been identified in the literature. In silico analysis is inconclusive regarding the impact of this variant. According to the currently available evidence, this variant has been classified as uncertain significance (PM2_P).